The following is an entry in ClinVar:

ClinVar aggregate classification (germline): Benign/Likely benign. Review status: criteria provided, multiple submitters, no conflicts (2 of 4 stars). 3 submissions from 2 submitters: Benign (2); Likely benign (1). Last evaluated 2018-01-12.

Conditions:
Atrial fibrillation, familial, 4 (ATFB4). Identifiers: MedGen C1862394, MONDO:0012677, OMIM 611493.
Long QT syndrome 6 (LQT6). Identifiers: Orphanet 101016, Orphanet 768, MedGen C3150953, MONDO:0013370, OMIM 613693.

Allele frequency attached by ClinVar (database versions not stated): gnomAD 0.00524 and 0.00570; 1000 Genomes Project 30x 0.00562; 1000 Genomes Project 0.00579; TOPMed 0.00615.

Submissions (3):

Illumina Laboratory Services, Illumina
Classification: Benign for Long QT syndrome 6. Last evaluated: 2018-01-12. Review status: criteria provided, single submitter. Criteria: ICSL Variant Classification Criteria 13 December 2019. Collection method: clinical testing. Allele origin: germline.
Comment: This variant was observed in the ICSL laboratory as part of a predisposition screen in an ostensibly healthy population. It had not been previously curated by ICSL or reported in the Human Gene Mutation Database (HGMD: prior to June 1st, 2018), and was therefore a candidate for classification through an automated scoring system. Utilizing variant allele frequency, disease prevalence and penetrance estimates, and inheritance mode, an automated score was calculated to assess if this variant is too frequent to cause the disease. Based on the score and internal cut-off values, a variant classified as benign is not then subjected to further curation. The score for this variant resulted in a classification of benign for this disease.

Illumina Laboratory Services, Illumina
Classification: Likely benign for Atrial fibrillation, familial, 4. Last evaluated: 2018-01-12. Review status: criteria provided, single submitter. Criteria: ICSL Variant Classification Criteria 13 December 2019. Collection method: clinical testing. Allele origin: germline.
Comment: This variant was observed in the ICSL laboratory as part of a predisposition screen in an ostensibly healthy population. It had not been previously curated by ICSL or reported in the Human Gene Mutation Database (HGMD: prior to June 1st, 2018), and was therefore a candidate for classification through an automated scoring system. Utilizing variant allele frequency, disease prevalence and penetrance estimates, and inheritance mode, an automated score was calculated to assess if this variant is too frequent to cause the disease. Based on the score and internal cut-off values, a variant classified as likely benign is not then subjected to further curation. The score for this variant resulted in a classification of likely benign for this disease.

GeneDx
Classification: Benign. Last evaluated: 2015-03-03. Review status: criteria provided, single submitter. Criteria: GeneDx Variant Classification Process June 2021. Collection method: clinical testing. Allele origin: germline. Affected: yes.

NM_172201.2(KCNE2):c.-52G>A

Genes: KCNE2 (potassium voltage-gated channel subfamily E regulatory subunit 2; plus strand), LOC105372791 (uncharacterized LOC105372791; minus strand). Cytogenetic location: 21q22.11.
Variant type: single nucleotide variant.
Coding change: c.-52G>A on transcript NM_172201.2 (MANE Select); 52 bases upstream of the start codon, G replaced by A.
Molecular consequence: 5 prime UTR variant.
Genome position (GRCh38, 1-based): chr21:34,364,112, G>A. VCF-style: chr21-34364112-G-A. GRCh37 (hg19) VCF-style: chr21-35736411-G-A.
Identifiers: ClinVar variation 339717 (VCV000339717.8), dbSNP rs41314699, ClinGen allele CA10650376.